The following is an entry in ClinVar:

ClinVar aggregate classification (germline): Uncertain significance. Review status: criteria provided, multiple submitters, no conflicts (2 of 4 stars). 2 submissions from 2 submitters: Uncertain significance (2). Last evaluated 2024-12-16.

Conditions:
Hermansky-Pudlak syndrome 3 (HPS3). Identifiers: Orphanet 231512, Orphanet 79430, MedGen C3888001, MONDO:0013555, OMIM 614072.

Allele frequency attached by ClinVar (database versions not stated): TOPMed 0.00003; gnomAD 0.00004 and 0.00005; gnomAD exomes 0.00005 and 0.00007; ExAC 0.00007; ESP Exome Variant Server 0.00016.
gnomAD v4.1: 90 of 1,613,872 alleles (0.0056%); highest among the groups gnomAD compares: Middle Eastern, 0.082%; 1 homozygote.

Submissions (2):

Labcorp Genetics (formerly Invitae), Labcorp
Classification: Uncertain significance. Last evaluated: 2024-12-16. Review status: criteria provided, single submitter. Criteria: Invitae Variant Classification Sherloc (09022015). Collection method: clinical testing. Allele origin: germline.
Comment: This sequence change replaces arginine, which is basic and polar, with tryptophan, which is neutral and slightly polar, at codon 234 of the HPS3 protein (p.Arg234Trp). This variant is present in population databases (rs371986139, gnomAD 0.01%). This variant has not been reported in the literature in individuals affected with HPS3-related conditions. ClinVar contains an entry for this variant (Variation ID: 903117). An algorithm developed to predict the effect of missense changes on protein structure and function outputs the following: PolyPhen-2: "Benign". The tryptophan amino acid residue is found in multiple mammalian species, which suggests that this missense change does not adversely affect protein function. In summary, the available evidence is currently insufficient to determine the role of this variant in disease. Therefore, it has been classified as a Variant of Uncertain Significance.

Illumina Laboratory Services, Illumina
Classification: Uncertain significance for Hermansky-Pudlak syndrome 3. Last evaluated: 2018-01-13. Review status: criteria provided, single submitter. Criteria: ICSL Variant Classification Criteria 13 December 2019. Collection method: clinical testing. Allele origin: germline.

NM_032383.5(HPS3):c.700C>T (p.Arg234Trp)

Gene: HPS3 (HPS3 biogenesis of lysosomal organelles complex 2 subunit 1; plus strand). Cytogenetic location: 3q24.
Variant type: single nucleotide variant.
Coding change: c.700C>T on transcript NM_032383.5 (MANE Select); coding-DNA position 700, C replaced by T.
Protein change: p.Arg234Trp; replaces arginine 234 with tryptophan.
Molecular consequence: missense variant. On other transcripts: intron variant (1).
Genome position (GRCh38, 1-based): chr3:149,140,486, C>T. VCF-style: chr3-149140486-C-T. GRCh37 (hg19) VCF-style: chr3-148858273-C-T.
Other names: c.218-531C>T (NM_001308258.2); short protein forms R234W.
Identifiers: ClinVar variation 903117 (VCV000903117.7), dbSNP rs371986139, ClinGen allele CA2659856.
Genomic context (GRCh38, chr3:149,140,486, plus strand): 5'-GGCCCTAAAAATGGAGAGAGAGTTCACCACCATCCACATAAGACCAACAATCGAATAAGA[C>T]GGACAGAAGAAGGTAAATAATGAATTTGACTTGCTTTCTTGTTTTAGGAATATAGAAAAC-3'
Protein context (NP_115759.2, residues 224-244): HPHKTNNRIR[Arg234Trp]TEEGISNEIS